The following is an entry in ClinVar:

ClinVar aggregate classification (germline): Uncertain significance (1 of 4 stars; one submission).

Conditions:
Hereditary cancer-predisposing syndrome. Also called: Hereditary neoplastic syndrome; Neoplastic Syndromes, Hereditary; Tumor predisposition; Hereditary Cancer Syndrome. Identifiers: Orphanet 140162, MedGen C0027672, MeSH D009386, MONDO:0015356.

Submission:

Ambry Genetics
Classification: Uncertain significance for Hereditary cancer-predisposing syndrome. Last evaluated: 2024-10-07. Review status: criteria provided, single submitter. Criteria: Ambry Variant Classification Scheme 2023. Collection method: clinical testing. Allele origin: germline.
Comment: The c.8786+5G>A intronic variant results from a G to A substitution 5 nucleotides after coding exon 59 in the ATM gene. This nucleotide position is highly conserved in available vertebrate species. In silico splice site analysis predicts that this alteration will not have any significant effect on splicing. Based on the available evidence, the clinical significance of this variant remains unclear.

NM_000051.4(ATM):c.8786+5G>A

Genes: ATM (ATM serine/threonine kinase; plus strand), C11orf65 (chromosome 11 open reading frame 65; minus strand). Cytogenetic location: 11q22.3.
Variant type: single nucleotide variant.
Coding change: c.8786+5G>A on transcript NM_000051.4 (MANE Select); 5 bases into the intron after coding-DNA position 8786, G replaced by A.
Molecular consequence: intron variant.
Genome position (GRCh38, 1-based): chr11:108,353,885, G>A. VCF-style: chr11-108353885-G-A. GRCh37 (hg19) VCF-style: chr11-108224612-G-A.
Other names: c.8786+5G>A (NM_001351834.2); c.640+32035C>T (NM_001330368.2); c.695-18593C>T (NM_001351110.2).
Identifiers: ClinVar variation 1764647 (VCV001764647.3), dbSNP rs2137298044, ClinGen allele CA2580083055.